The following is an entry in ClinVar:

ClinVar aggregate classification (germline): Pathogenic. Review status: criteria provided, multiple submitters, no conflicts (2 of 4 stars). 2 submissions from 2 submitters: Pathogenic (2). Last evaluated 2022-08-05.

Conditions:
Neurofibromatosis, type 1 (NF1). Also called: Neurofibromatosis, type I; VON RECKLINGHAUSEN DISEASE; NEUROFIBROMATOSIS, TYPE I, SOMATIC; Peripheral type neurofibromatosis. Identifiers: Orphanet 636, MedGen C0027831, MONDO:0018975, OMIM 162200. Disease mechanism: loss of function.

Submissions (2):

Labcorp Genetics (formerly Invitae), Labcorp
Classification: Pathogenic for Neurofibromatosis, type 1. Last evaluated: 2022-08-05. Review status: criteria provided, single submitter. Criteria: Invitae Variant Classification Sherloc (09022015). Collection method: clinical testing. Allele origin: germline.
Comment: For these reasons, this variant has been classified as Pathogenic. ClinVar contains an entry for this variant (Variation ID: 423917). This premature translational stop signal has been observed in individual(s) with NF1-related conditions (PMID: 29620724). This variant is not present in population databases (gnomAD no frequency). This sequence change creates a premature translational stop signal (p.Lys1823Glnfs*18) in the NF1 gene. It is expected to result in an absent or disrupted protein product. Loss-of-function variants in NF1 are known to be pathogenic (PMID: 10712197, 23913538).

GeneDx
Classification: Pathogenic. Last evaluated: 2018-09-18. Review status: criteria provided, single submitter. Criteria: GeneDx Variant Classification (06012015). Collection method: clinical testing. Allele origin: germline. Affected: yes.
Comment: The c.5466dupC pathogenic variant in the NF1 gene causes a frameshift starting with codon Lysine 1823, changes this amino acid to a Glutamine residue and creates a premature Stop codon at position 18 of the new reading frame, denoted p.Lys1823GlnfsX18. This pathogenic variant is predicted to cause loss of normal protein function either through protein truncation or nonsense-mediated mRNA decay. The variant is not observed in large population cohorts (Lek et al., 2016; 1000 Genomes Consortium et al., 2015; Exome Variant Server). Although this pathogenic variant has not been previously reported to our knowledge, we consider it to be pathogenic.

Literature cited by the submitters: PubMed 29620724 (cited by Labcorp Genetics (formerly Invitae), Labcorp); PubMed 10712197 (cited by Labcorp Genetics (formerly Invitae), Labcorp); PubMed 23913538 (cited by Labcorp Genetics (formerly Invitae), Labcorp).

NM_001042492.3(NF1):c.5529dup (p.Lys1844fs)

Gene: NF1 (neurofibromin 1; plus strand). Cytogenetic location: 17q11.2.
Variant type: Duplication.
Coding change: c.5529dup on transcript NM_001042492.3 (MANE Select); coding-DNA position 5529, one base duplicated (C; older notation c.5529dupC).
Protein change: p.Lys1844fs; shifts the reading frame from lysine 1844.
Molecular consequence: frameshift variant.
Genome position (GRCh38, 1-based): chr17:31,327,759, C duplicated; the last of 2 consecutive C bases (chr17:31,327,758-31,327,759); duplicating either gives the same sequence. VCF-style (leftmost placement, unchanged base first): chr17-31327757-A-AC. GRCh37 (hg19) VCF-style: chr17-29654775-A-AC.
Other names: c.5466dupC (NM_000267.3); c.5466dup, p.Lys1823Glnfs (NM_000267.4); short protein forms K1844fs, K1823fs.
Identifiers: ClinVar variation 423917 (VCV000423917.6), dbSNP rs1555533628, ClinGen allele CA16620369.